The following is an entry in ClinVar:

NM_006218.4(PIK3CA):c.1889A>G (p.Gln630Arg)

Gene: PIK3CA (phosphatidylinositol-4,5-bisphosphate 3-kinase catalytic subunit alpha; plus strand). Cytogenetic location: 3q26.32.
Variant type: single nucleotide variant.
Coding change: c.1889A>G on transcript NM_006218.4 (MANE Select); coding-DNA position 1889, A replaced by G.
Protein change: p.Gln630Arg; replaces glutamine 630 with arginine.
Molecular consequence: missense variant.
Genome position (GRCh38, 1-based): chr3:179,219,713, A>G. VCF-style: chr3-179219713-A-G. GRCh37 (hg19) VCF-style: chr3-178937501-A-G.
Other names: short protein forms Q630R.
Identifiers: ClinVar variation 4841318 (VCV004841318.1).

ClinVar aggregate classification (germline): Uncertain significance (1 of 4 stars; one submission).

Conditions:
Inborn genetic diseases. Identifiers: MedGen C0950123, MeSH D030342.

Submission:

Ambry Genetics
Classification: Uncertain significance for Inborn genetic diseases. Last evaluated: 2026-01-14. Review status: criteria provided, single submitter. Criteria: Ambry Variant Classification Scheme 2023. Collection method: clinical testing. Allele origin: germline.
Comment: The p.Q630R variant (also known as c.1889A>G), located in coding exon 11 of the PIK3CA gene, results from an A to G substitution at nucleotide position 1889. The glutamine at codon 630 is replaced by arginine, an amino acid with highly similar properties. This amino acid position is conserved. In addition, this alteration is predicted to be deleterious by in silico analysis. Based on the available evidence, the clinical significance of this variant remains unclear.